The following is an entry in ClinVar:

NM_000051.4(ATM):c.3394A>G (p.Arg1132Gly)

Gene: ATM (ATM serine/threonine kinase; plus strand). Cytogenetic location: 11q22.3.
Variant type: single nucleotide variant.
Coding change: c.3394A>G on transcript NM_000051.4 (MANE Select); coding-DNA position 3394, A replaced by G.
Protein change: p.Arg1132Gly; replaces arginine 1132 with glycine.
Molecular consequence: missense variant.
Genome position (GRCh38, 1-based): chr11:108,279,600, A>G. VCF-style: chr11-108279600-A-G. GRCh37 (hg19) VCF-style: chr11-108150327-A-G.
Other names: c.3394A>G, p.Arg1132Gly (NM_001351834.2); short protein forms R1132G.
Identifiers: ClinVar variation 823716 (VCV000823716.15), dbSNP rs1591632541, ClinGen allele CA382517833.
Genomic context (GRCh38, chr11:108,279,600, plus strand): 5'-CCTTTGAAGCTTCAGCAAACAGCTTTTGAAAATGCATACTTGAAAGCTCAGGAAGGAATG[A>G]GAGAAATGGTAATTTTAAGTAACATGTATTTGCTGTTATCATATGCTTGCTATGAATATC-3'
Protein context (NP_000042.3, residues 1122-1142): NAYLKAQEGM[Arg1132Gly]EMSHSAENPE

ClinVar aggregate classification (germline): Uncertain significance. Review status: criteria provided, multiple submitters, no conflicts (2 of 4 stars). 5 submissions from 5 submitters: Uncertain significance (5). Last evaluated 2025-12-20.

Conditions:
Hereditary cancer-predisposing syndrome. Also called: Neoplastic Syndromes, Hereditary; Hereditary Cancer Syndrome; Hereditary neoplastic syndrome; Tumor predisposition. Identifiers: Orphanet 140162, MedGen C0027672, MeSH D009386, MONDO:0015356.
Familial cancer of breast. Also called: hereditary breast carcinoma; BREAST CANCER, FAMILIAL; Hereditary breast cancer. Identifiers: Orphanet 227535, MedGen C0346153, MONDO:0016419, OMIM 114480. Disease mechanism: loss of function.
Ataxia-telangiectasia syndrome (AT). Also called: ATAXIA-TELANGIECTASIA, COMPLEMENTATION GROUP A; ATAXIA-TELANGIECTASIA, FRESNO VARIANT; Ataxia-telangiectasia, complementation group E; Ataxia telangiectasia (A-T); LOUIS-BAR SYNDROME; Cerebello-oculocutaneous telangiectasia. Identifiers: Orphanet 100, MedGen C0004135, MONDO:0008840, OMIM 208900.

Submissions (5):

Labcorp Genetics (formerly Invitae), Labcorp
Classification: Uncertain significance for Ataxia-telangiectasia syndrome. Last evaluated: 2025-12-20. Review status: criteria provided, single submitter. Criteria: Invitae Variant Classification Sherloc (09022015). Collection method: clinical testing. Allele origin: germline.
Comment: This sequence change replaces arginine, which is basic and polar, with glycine, which is neutral and non-polar, at codon 1132 of the ATM protein (p.Arg1132Gly). This variant is not present in population databases (gnomAD no frequency). This variant has not been reported in the literature in individuals affected with ATM-related conditions. ClinVar contains an entry for this variant (Variation ID: 823716). Invitae Evidence Modeling of protein sequence and biophysical properties (such as structural, functional, and spatial information, amino acid conservation, physicochemical variation, residue mobility, and thermodynamic stability) indicates that this missense variant is not expected to disrupt ATM protein function with a negative predictive value of 95%. In summary, the available evidence is currently insufficient to determine the role of this variant in disease. Therefore, it has been classified as a Variant of Uncertain Significance.

Baylor Genetics
Classification: Uncertain significance for Familial cancer of breast. Last evaluated: 2023-06-06. Review status: criteria provided, single submitter. Criteria: ACMG Guidelines, 2015. Collection method: clinical testing. Allele origin: unknown.

Ambry Genetics
Classification: Uncertain significance for Hereditary cancer-predisposing syndrome. Last evaluated: 2023-05-05. Review status: criteria provided, single submitter. Criteria: Ambry Variant Classification Scheme 2023. Collection method: clinical testing. Allele origin: germline.
Comment: The p.R1132G variant (also known as c.3394A>G), located in coding exon 22 of the ATM gene, results from an A to G substitution at nucleotide position 3394. The arginine at codon 1132 is replaced by glycine, an amino acid with dissimilar properties. This amino acid position is not well conserved in available vertebrate species. In addition, this alteration is predicted to be tolerated by in silico analysis. Since supporting evidence is limited at this time, the clinical significance of this alteration remains unclear.

Athena Diagnostics
Classification: Uncertain significance. Last evaluated: 2022-02-18. Review status: criteria provided, single submitter. Criteria: Athena Diagnostics Criteria. Collection method: clinical testing. Allele origin: unknown.

GeneDx
Classification: Uncertain significance. Last evaluated: 2022-01-28. Review status: criteria provided, single submitter. Criteria: GeneDx Variant Classification Process June 2021. Collection method: clinical testing. Allele origin: germline. Affected: yes.
Comment: Not observed at significant frequency in large population cohorts (gnomAD); In silico analysis supports that this missense variant does not alter protein structure/function; Has not been previously published as pathogenic or benign to our knowledge